The following is an entry in ClinVar:

NM_001164508.2(NEB):c.24707C>T (p.Pro8236Leu)

Genes: NEB (nebulin; minus strand), RIF1 (replication timing regulatory factor 1; plus strand). Cytogenetic location: 2q23.3.
Variant type: single nucleotide variant.
Coding change: c.24707C>T on transcript NM_001164508.2 (MANE Select); coding-DNA position 24707, C replaced by T.
Protein change: p.Pro8236Leu; replaces proline 8236 with leucine.
Molecular consequence: missense variant.
Genome position (GRCh38, 1-based): chr2:151,493,411, G>A on the plus strand (C>T on the coding strand, the complement: NEB is on the minus strand). VCF-style: chr2-151493411-G-A. GRCh37 (hg19) VCF-style: chr2-152349925-G-A.
Other names: c.24707C>T, p.Pro8236Leu (NM_001164507.2); c.24812C>T, p.Pro8271Leu (NM_001271208.2); c.19139C>T, p.Pro6380Leu (NM_004543.5); short protein forms P6380L, P8236L, P8271L.
Identifiers: ClinVar variation 653080 (VCV000653080.12), dbSNP rs571935637, ClinGen allele CA1905945.

ClinVar aggregate classification (germline): Conflicting classifications of pathogenicity. Review status: criteria provided, conflicting classifications (1 of 4 stars). 4 submissions from 4 submitters: Uncertain significance (2); Benign (1). 1 of the submissions does not count toward it. Last evaluated 2025-07-22.

Conditions:
Nemaline myopathy 2 (NEM2). Also called: Nemaline myopathy 2, autosomal recessive. Identifiers: MedGen C1850569, MONDO:0009725, OMIM 256030.

Allele frequency attached by ClinVar (database versions not stated): TOPMed 0.00006; gnomAD exomes 0.00012 and 0.00006; ExAC 0.00014; 1000 Genomes Project 0.00020; 1000 Genomes Project 30x 0.00031; gnomAD 0.00003.
gnomAD v4.1: 87 of 1,608,098 alleles (0.0054%); highest among the groups gnomAD compares: South Asian, 0.054%; no homozygotes.

Submissions (4):

Labcorp Genetics (formerly Invitae), Labcorp
Classification: Benign for Nemaline myopathy 2. Last evaluated: 2025-07-22. Review status: criteria provided, single submitter. Criteria: Invitae Variant Classification Sherloc (09022015). Collection method: clinical testing. Allele origin: germline.

Revvity Omics, Revvity
Classification: Uncertain significance. Last evaluated: 2025-03-25. Review status: criteria provided, single submitter. Criteria: ACMG Guidelines, 2015. Collection method: clinical testing. Allele origin: germline.

GeneDx
Classification: Uncertain significance. Last evaluated: 2022-06-28. Review status: criteria provided, single submitter. Criteria: GeneDx Variant Classification Process June 2021. Collection method: clinical testing. Allele origin: germline. Affected: yes.
Comment: In silico analysis supports that this missense variant has a deleterious effect on protein structure/function; Has not been previously published as pathogenic or benign to our knowledge

Natera, Inc.
Classification: Uncertain significance for Nemaline myopathy type 2. Last evaluated: 2020-01-24. Review status: no assertion criteria provided. Collection method: clinical testing. Allele origin: germline. Not counted in ClinVar's aggregate classification.